The following is an entry in ClinVar:

ClinVar aggregate classification (germline): Uncertain significance (1 of 4 stars; one submission).

Conditions:
Hereditary cancer-predisposing syndrome. Also called: Neoplastic Syndromes, Hereditary; Tumor predisposition; Hereditary Cancer Syndrome; Hereditary neoplastic syndrome. Identifiers: Orphanet 140162, MedGen C0027672, MeSH D009386, MONDO:0015356.

Submission:

Ambry Genetics
Classification: Uncertain significance for Hereditary cancer-predisposing syndrome. Last evaluated: 2024-06-28. Review status: criteria provided, single submitter. Criteria: Ambry Variant Classification Scheme 2023. Collection method: clinical testing. Allele origin: germline.
Comment: The c.3689_3690delCA variant, located in coding exon 22 of the PTCH1 gene, results from a deletion of two nucleotides at nucleotide positions 3689 to 3690, causing a translational frameshift with a predicted alternate stop codon (p.T1230Sfs*94). Premature stop codons are typically deleterious in nature, and although this alteration is expected to result in loss of function by premature protein truncation or nonsense-mediated mRNA decay, it occurs near the 3' terminus of PTCH1 where no known functional domains are located. Alterations in this region have been observed in individuals who do not have a personal or family history that is consistent with or suggestive of PTCH1-associated disease (Ambry internal data). The exact functional effect of this alteration is unknown. Based on the available evidence, the clinical significance of this variant remains unclear.

NM_000264.5(PTCH1):c.3689_3690del (p.Thr1230fs)

Gene: PTCH1 (patched 1; minus strand). Cytogenetic location: 9q22.32.
Variant type: Deletion.
Coding change: c.3689_3690del on transcript NM_000264.5 (MANE Select); coding-DNA positions 3689 to 3690, 2 bases deleted (CA; older notation c.3689_3690delCA).
Protein change: p.Thr1230fs; shifts the reading frame from threonine 1230.
Molecular consequence: frameshift variant. On other transcripts: non-coding transcript variant (1).
Genome position (GRCh38, 1-based): chr9:95,449,183-95,449,184, TG deleted on the plus strand (CA on the coding strand, the reverse complement: PTCH1 is on the minus strand); deleting any 2 consecutive bases within chr9:95,449,183-95,449,185 gives the same sequence; the c. name uses the placement nearest the transcript's 3' end. VCF-style (leftmost placement, unchanged base first): chr9-95449182-CTG-C. GRCh37 (hg19) VCF-style: chr9-98211464-CTG-C.
Other names: c.3689_3690delCA (NM_000264.3); c.3491_3492del, p.Thr1164fs (NM_001083602.3); c.3686_3687del, p.Thr1229fs (NM_001083603.3); c.3236_3237del, p.Thr1079fs (NM_001083604.3, NM_001083605.3, NM_001083606.3 and 1 more transcripts); c.3533_3534del, p.Thr1178fs (NM_001354918.2); short protein forms T1164fs, T1230fs, T1229fs, T1079fs, T1178fs.
Identifiers: ClinVar variation 3427228 (VCV003427228.1).